The following is an entry in ClinVar:

NM_001135146.2(SLC39A8):c.446dup (p.Leu149fs)

Gene: SLC39A8 (solute carrier family 39 member 8; minus strand). Cytogenetic location: 4q24.
Variant type: Duplication.
Coding change: c.446dup on transcript NM_001135146.2 (MANE Select); coding-DNA position 446, one base duplicated (T; older notation c.446dupT).
Protein change: p.Leu149fs; shifts the reading frame from leucine 149.
Molecular consequence: frameshift variant.
Genome position (GRCh38, 1-based): chr4:102,307,542, A duplicated on the plus strand (T on the coding strand, the reverse complement: SLC39A8 is on the minus strand); the first of 4 consecutive A bases (chr4:102,307,542-102,307,545); duplicating any one gives the same sequence. VCF-style (leftmost placement, unchanged base first): chr4-102307541-C-CA. GRCh37 (hg19) VCF-style: chr4-103228698-C-CA.
Other names: c.446dup, p.Leu149fs (NM_001135147.1, NM_022154.5); c.245dup, p.Leu82fs (NM_001135148.2); short protein forms L149fs, L82fs.
Identifiers: ClinVar variation 1302645 (VCV001302645.2), dbSNP rs2149035229, ClinGen allele CA2573052271.

ClinVar aggregate classification (germline): Uncertain significance (1 of 4 stars; one submission).

Submission:

GeneDx
Classification: Uncertain significance. Last evaluated: 2019-06-10. Review status: criteria provided, single submitter. Criteria: GeneDx Variant Classification Process June 2021. Collection method: clinical testing. Allele origin: germline. Affected: yes.
Comment: Not observed in large population cohorts (Lek et al., 2016); Frameshift variant predicted to result in protein truncation or nonsense mediated decay in a gene for which loss-of-function is not a known mechanism of disease; Has not been previously published as pathogenic or benign to our knowledge